The following is an entry in ClinVar:

ClinVar aggregate classification (germline): Conflicting classifications of pathogenicity. Review status: criteria provided, conflicting classifications (1 of 4 stars). 3 submissions from 3 submitters: Uncertain significance (1); Likely benign (2). Last evaluated 2025-06-17.

Conditions:
Left ventricular noncompaction 8 (LVNC8). Identifiers: Orphanet 154, Orphanet 54260, MedGen C3809288, MONDO:0014152, OMIM 615373.

Allele frequency attached by ClinVar (database versions not stated): gnomAD 0.00001 and 0.00009; TOPMed 0.00002; gnomAD exomes 0.00014 and 0.00025; ExAC 0.00027; 1000 Genomes Project 30x 0.00094; 1000 Genomes Project 0.00100.
gnomAD v4.1: 358 of 1,556,140 alleles (0.023%); highest among the groups gnomAD compares: East Asian, 0.86%; 4 homozygotes.

Submissions (3):

Labcorp Genetics (formerly Invitae), Labcorp
Classification: Uncertain significance for Left ventricular noncompaction 8. Last evaluated: 2025-06-17. Review status: criteria provided, single submitter. Criteria: Invitae Variant Classification Sherloc (09022015). Collection method: clinical testing. Allele origin: germline.
Comment: This sequence change replaces glutamic acid, which is acidic and polar, with alanine, which is neutral and non-polar, at codon 1154 of the PRDM16 protein (p.Glu1154Ala). This variant is present in population databases (rs527844629, gnomAD 0.2%), and has an allele count higher than expected for a pathogenic variant. This variant has not been reported in the literature in individuals affected with PRDM16-related conditions. ClinVar contains an entry for this variant (Variation ID: 639221). An algorithm developed to predict the effect of missense changes on protein structure and function (PolyPhen-2) suggests that this variant is likely to be tolerated. In summary, the available evidence is currently insufficient to determine the role of this variant in disease. Therefore, it has been classified as a Variant of Uncertain Significance.

Blueprint Genetics
Classification: Likely benign. Last evaluated: 2020-09-08. Review status: criteria provided, single submitter. Criteria: ACMG Guidelines, 2015. Collection method: clinical testing. Allele origin: germline.

GeneDx
Classification: Likely benign. Last evaluated: 2018-10-24. Review status: criteria provided, single submitter. Criteria: GeneDx Variant Classification Process June 2021. Collection method: clinical testing. Allele origin: germline. Affected: yes.

NM_022114.4(PRDM16):c.3461A>C (p.Glu1154Ala)

Gene: PRDM16 (PR/SET domain 16; plus strand). Cytogenetic location: 1p36.32.
Variant type: single nucleotide variant.
Coding change: c.3461A>C on transcript NM_022114.4 (MANE Select); coding-DNA position 3461, A replaced by C.
Protein change: p.Glu1154Ala; replaces glutamic acid 1154 with alanine.
Molecular consequence: missense variant.
Genome position (GRCh38, 1-based): chr1:3,431,048, A>C. VCF-style: chr1-3431048-A-C. GRCh37 (hg19) VCF-style: chr1-3347612-A-C.
Other names: c.3461A>C, p.Glu1154Ala (NM_199454.3); short protein forms E1154A.
Identifiers: ClinVar variation 639221 (VCV000639221.13), dbSNP rs527844629, ClinGen allele CA544877.
Genomic context (GRCh38, chr1:3,431,048, plus strand): 5'-TGGCCGGGAAGTCGCAGGATGACACCGTGTCCCCCGCACCCGAGCCCCAGGCCGCCTACG[A>C]GGATGAGGAGGATGAGGAGCCAGCCGCCTCCCTGGCCGTGGGCTTTGACCACACCCGAAG-3'
Protein context (NP_071397.3, residues 1144-1164): SPAPEPQAAY[Glu1154Ala]DEEDEEPAAS